The following is an entry in ClinVar:

ClinVar aggregate classification (germline): Uncertain significance (1 of 4 stars; one submission).

Conditions:
TRIOBP-related disorder. Also called: TRIOBP-related condition.

Submission:

PreventionGenetics, part of Exact Sciences
Classification: Uncertain significance for TRIOBP-related condition. Last evaluated: 2024-12-04. Review status: criteria provided, single submitter. Criteria: ACMG Guidelines, 2015. Collection method: clinical testing. Allele origin: germline.
Comment: The TRIOBP c.5801G>C variant is predicted to result in the amino acid substitution p.Arg1934Pro. To our knowledge, this variant has not been reported in the literature or in a large population database (gnomAD), indicating this variant is rare. At this time, the clinical significance of this variant is uncertain due to the absence of conclusive functional and genetic evidence.

NM_001039141.3(TRIOBP):c.5801G>C (p.Arg1934Pro)

Gene: TRIOBP (TRIO and F-actin binding protein; plus strand). Cytogenetic location: 22q13.1.
Variant type: single nucleotide variant.
Coding change: c.5801G>C on transcript NM_001039141.3 (MANE Select); coding-DNA position 5801, G replaced by C.
Protein change: p.Arg1934Pro; replaces arginine 1934 with proline.
Molecular consequence: missense variant.
Genome position (GRCh38, 1-based): chr22:37,757,726, G>C. VCF-style: chr22-37757726-G-C. GRCh37 (hg19) VCF-style: chr22-38153733-G-C.
Other names: c.662G>C, p.Arg221Pro (NM_007032.5, NM_138632.2); short protein forms R1934P, R221P.
Identifiers: ClinVar variation 4989381 (VCV004989381.1).